The following is an entry in ClinVar:

NM_001844.5(COL2A1):c.191G>A (p.Cys64Tyr)

Gene: COL2A1 (collagen type II alpha 1 chain; minus strand). Cytogenetic location: 12q13.11.
Variant type: single nucleotide variant.
Coding change: c.191G>A on transcript NM_001844.5 (MANE Select); coding-DNA position 191, G replaced by A.
Protein change: p.Cys64Tyr; replaces cysteine 64 with tyrosine.
Molecular consequence: missense variant. On other transcripts: intron variant (1).
Genome position (GRCh38, 1-based): chr12:48,000,020, C>T on the plus strand (G>A on the coding strand, the complement: COL2A1 is on the minus strand). VCF-style: chr12-48000020-C-T. GRCh37 (hg19) VCF-style: chr12-48393803-C-T.
Other names: c.86-1589G>A (NM_033150.3); short protein forms C64Y.
Identifiers: ClinVar variation 4801168 (VCV004801168.1).
Genomic context (GRCh38, chr12:48,000,020, plus strand): 5'-TCTCCGAAGGGGATCTCAGGGCTGAGGCAGTCTTTCACGTCTTCACAGATTATGTCGTCG[C>T]AGAGGACAGTCCCAGTGTCACAGACACAGATCCGGCAGGGCTCCGGCTTCCACACATCCT-3'
Protein context (NP_001835.3, residues 54-74): ICVCDTGTVL[Cys64Tyr]DDIICEDVKD

ClinVar aggregate classification (germline): Uncertain significance (1 of 4 stars; one submission).

Submission:

Labcorp Genetics (formerly Invitae), Labcorp
Classification: Uncertain significance. Last evaluated: 2025-12-15. Review status: criteria provided, single submitter. Criteria: Invitae Variant Classification Sherloc (09022015). Collection method: clinical testing. Allele origin: germline.
Comment: This sequence change replaces cysteine, which is neutral and slightly polar, with tyrosine, which is neutral and polar, at codon 64 of the COL2A1 protein (p.Cys64Tyr). This variant is not present in population databases (gnomAD no frequency). This variant has not been reported in the literature in individuals affected with COL2A1-related conditions. Invitae Evidence Modeling of protein sequence and biophysical properties (such as structural, functional, and spatial information, amino acid conservation, physicochemical variation, residue mobility, and thermodynamic stability) indicates that this missense variant is expected to disrupt COL2A1 protein function with a positive predictive value of 95%. In summary, the available evidence is currently insufficient to determine the role of this variant in disease. Therefore, it has been classified as a Variant of Uncertain Significance.